The following is an entry in ClinVar:

NM_000182.5(HADHA):c.901C>A (p.Pro301Thr)

Gene: HADHA (hydroxyacyl-CoA dehydrogenase trifunctional multienzyme complex subunit alpha; minus strand). Cytogenetic location: 2p23.3.
Variant type: single nucleotide variant.
Coding change: c.901C>A on transcript NM_000182.5 (MANE Select); coding-DNA position 901, C replaced by A.
Protein change: p.Pro301Thr; replaces proline 301 with threonine.
Molecular consequence: missense variant.
Genome position (GRCh38, 1-based): chr2:26,214,460, G>T on the plus strand (C>A on the coding strand, the complement: HADHA is on the minus strand). VCF-style: chr2-26214460-G-T. GRCh37 (hg19) VCF-style: chr2-26437329-G-T.
Other names: short protein forms P301T.
Identifiers: ClinVar variation 2146171 (VCV002146171.1), dbSNP rs1044216511, ClinGen allele CA44338048.

ClinVar aggregate classification (germline): Uncertain significance (1 of 4 stars; one submission).

Conditions:
Long chain 3-hydroxyacyl-CoA dehydrogenase deficiency. Also called: LCHAD Deficiency; Deficiency of long-chain 3-hydroxyacyl-coenzyme A dehydrogenase. Identifiers: Orphanet 5, MedGen C3711645, MONDO:0012173, OMIM 609016.
Mitochondrial trifunctional protein deficiency. Identifiers: Orphanet 746, MedGen C1969443, MONDO:0012172.

Allele frequency attached by ClinVar (database versions not stated): gnomAD 0.00001; TOPMed 0.00005.
gnomAD v4.1: 4 of 1,527,188 alleles (0.00026%); highest among the groups gnomAD compares: African/African-American, 0.0055%; no homozygotes.

Submission:

Labcorp Genetics (formerly Invitae), Labcorp
Classification: Uncertain significance for Mitochondrial trifunctional protein deficiency; Long chain 3-hydroxyacyl-CoA dehydrogenase deficiency. Last evaluated: 2022-08-05. Review status: criteria provided, single submitter. Criteria: Invitae Variant Classification Sherloc (09022015). Collection method: clinical testing. Allele origin: germline.
Comment: This sequence change replaces proline, which is neutral and non-polar, with threonine, which is neutral and polar, at codon 301 of the HADHA protein (p.Pro301Thr). This variant is present in population databases (no rsID available, gnomAD 0.01%). This variant has not been reported in the literature in individuals affected with HADHA-related conditions. Advanced modeling of protein sequence and biophysical properties (such as structural, functional, and spatial information, amino acid conservation, physicochemical variation, residue mobility, and thermodynamic stability) performed at Invitae indicates that this missense variant is expected to disrupt HADHA protein function. In summary, the available evidence is currently insufficient to determine the role of this variant in disease. Therefore, it has been classified as a Variant of Uncertain Significance.